The following is an entry in ClinVar:

NM_080473.5(GATA5):c.128T>A (p.Leu43Gln)

Gene: GATA5 (GATA binding protein 5; minus strand). Cytogenetic location: 20q13.33.
Variant type: single nucleotide variant.
Coding change: c.128T>A on transcript NM_080473.5 (MANE Select); coding-DNA position 128, T replaced by A.
Protein change: p.Leu43Gln; replaces leucine 43 with glutamine.
Molecular consequence: missense variant.
Genome position (GRCh38, 1-based): chr20:62,475,394, A>T on the plus strand (T>A on the coding strand, the complement: GATA5 is on the minus strand). VCF-style: chr20-62475394-A-T. GRCh37 (hg19) VCF-style: chr20-61050450-A-T.
Other names: short protein forms L43Q.
Identifiers: ClinVar variation 1524354 (VCV001524354.8), dbSNP rs2146490774, ClinGen allele CA409557752.
Genomic context (GRCh38, chr20:62,475,394, plus strand): 5'-CCGGGGCGCGCAGCGAGCTCGGGGGGCTGCGGGCTCGGCTCACACCCGGACAGGTAGGAC[A>T]GCATCGAGGGGACGCGCGCCGGCGGCACAAACATCGGAGAGCCGGCGCCCGGAGCGTGCA-3'
Protein context (NP_536721.1, residues 33-53): FVPPARVPSM[Leu43Gln]SYLSGCEPSP

ClinVar aggregate classification (germline): Uncertain significance (1 of 4 stars; one submission).

Submission:

Labcorp Genetics (formerly Invitae), Labcorp
Classification: Uncertain significance. Last evaluated: 2021-04-26. Review status: criteria provided, single submitter. Criteria: Invitae Variant Classification Sherloc (09022015). Collection method: clinical testing. Allele origin: germline.
Comment: In summary, the available evidence is currently insufficient to determine the role of this variant in disease. Therefore, it has been classified as a Variant of Uncertain Significance. Algorithms developed to predict the effect of sequence changes on RNA splicing suggest that this variant may create or strengthen a splice site, but this prediction has not been confirmed by published transcriptional studies. Algorithms developed to predict the effect of missense changes on protein structure and function are either unavailable or do not agree on the potential impact of this missense change (SIFT: "Deleterious"; PolyPhen-2: "Probably Damaging"; Align-GVGD: "Class C0"). This variant has not been reported in the literature in individuals with GATA5-related conditions. The frequency data for this variant in the population databases is considered unreliable, as metrics indicate insufficient coverage at this position in the ExAC database. This sequence change replaces leucine with glutamine at codon 43 of the GATA5 protein (p.Leu43Gln). The leucine residue is moderately conserved and there is a moderate physicochemical difference between leucine and glutamine.